The following is an entry in ClinVar:

ClinVar aggregate classification (germline): Uncertain significance (1 of 4 stars; one submission).

Conditions:
Early-onset Parkinson disease 20. Also called: PARKINSON DISEASE 20, AUTOSOMAL RECESSIVE EARLY-ONSET. Identifiers: Orphanet 391411, MedGen C3809824, MONDO:0014233, OMIM 615530.
Developmental and epileptic encephalopathy, 53. Also called: Epileptic encephalopathy, early infantile, 53. Identifiers: MedGen C4479313, MONDO:0033362, OMIM 617389.

Allele frequency attached by ClinVar (database versions not stated): TOPMed 0.00001; ExAC 0.00002; gnomAD exomes 0.00002.
gnomAD v4.1: 10 of 1,614,156 alleles (0.00062%); highest among the groups gnomAD compares: Admixed American, 0.0083%; no homozygotes.

Submission:

Labcorp Genetics (formerly Invitae), Labcorp
Classification: Uncertain significance for Developmental and epileptic encephalopathy, 53; Early-onset Parkinson disease 20. Last evaluated: 2022-07-12. Review status: criteria provided, single submitter. Criteria: Invitae Variant Classification Sherloc (09022015). Collection method: clinical testing. Allele origin: germline.
Comment: This sequence change replaces isoleucine, which is neutral and non-polar, with threonine, which is neutral and polar, at codon 909 of the SYNJ1 protein (p.Ile909Thr). This variant is present in population databases (rs753305423, gnomAD 0.01%). This variant has not been reported in the literature in individuals affected with SYNJ1-related conditions. ClinVar contains an entry for this variant (Variation ID: 950655). Algorithms developed to predict the effect of missense changes on protein structure and function are either unavailable or do not agree on the potential impact of this missense change (SIFT: "Tolerated"; PolyPhen-2: "Probably Damaging"; Align-GVGD: "Class C0"). In summary, the available evidence is currently insufficient to determine the role of this variant in disease. Therefore, it has been classified as a Variant of Uncertain Significance.

NM_203446.3(SYNJ1):c.2609T>C (p.Ile870Thr)

Gene: SYNJ1 (synaptojanin 1; minus strand). Cytogenetic location: 21q22.11.
Variant type: single nucleotide variant.
Coding change: c.2609T>C on transcript NM_203446.3 (MANE Select); coding-DNA position 2609, T replaced by C.
Protein change: p.Ile870Thr; replaces isoleucine 870 with threonine.
Molecular consequence: missense variant.
Genome position (GRCh38, 1-based): chr21:32,656,873, A>G on the plus strand (T>C on the coding strand, the complement: SYNJ1 is on the minus strand). VCF-style: chr21-32656873-A-G. GRCh37 (hg19) VCF-style: chr21-34029183-A-G.
Other names: c.2609T>C, p.Ile870Thr (NM_001160302.2); c.2594T>C, p.Ile865Thr (NM_001160306.2); c.2726T>C, p.Ile909Thr (NM_003895.4); short protein forms I870T, I909T, I865T.
Identifiers: ClinVar variation 950655 (VCV000950655.7), dbSNP rs753305423, ClinGen allele CA10003613.